The following is an entry in ClinVar:

NM_001010867.4(IBA57):c.104C>T (p.Ser35Phe)

Gene: IBA57 (iron-sulfur cluster assembly factor IBA57; plus strand). Cytogenetic location: 1q42.13.
Variant type: single nucleotide variant.
Coding change: c.104C>T on transcript NM_001010867.4 (MANE Select); coding-DNA position 104, C replaced by T.
Protein change: p.Ser35Phe; replaces serine 35 with phenylalanine.
Molecular consequence: missense variant.
Genome position (GRCh38, 1-based): chr1:228,165,920, C>T. VCF-style: chr1-228165920-C-T. GRCh37 (hg19) VCF-style: chr1-228353621-C-T.
Other names: p.Ser35Phe; c.104C>T (NM_001010867.2); short protein forms S35F.
Identifiers: ClinVar variation 2432684 (VCV002432684.5), dbSNP rs984974466, ClinGen allele CA345104797.
Genomic context (GRCh38, chr1:228,165,920, plus strand): 5'-GCGGCCCGGTCTGGCGCTGGCGGCTGCGCGCGGCCCCAAGGTGCCGCCTGGCCCACAGCT[C>T]CTGCAGTCCTGGTGGCGACCCAACGGCCGGAGCGGCCTGGGCCTGCTTCCGGCTGGACGG-3'
Protein context (NP_001010867.1, residues 25-45): AAPRCRLAHS[Ser35Phe]CSPGGDPTAG

ClinVar aggregate classification (germline): Conflicting classifications of pathogenicity. Review status: criteria provided, conflicting classifications (1 of 4 stars). 3 submissions from 3 submitters: Uncertain significance (2); Likely benign (1). Last evaluated 2024-02-28.

Conditions:
Inborn genetic diseases. Identifiers: MedGen C0950123, MeSH D030342.

Allele frequency attached by ClinVar (database versions not stated): gnomAD 0.00003.
gnomAD v4.1: 74 of 1,481,932 alleles (0.005%); highest among the groups gnomAD compares: Non-Finnish European, 0.0063%; no homozygotes.

Submissions (3):

Ambry Genetics
Classification: Likely benign for Inborn genetic diseases. Last evaluated: 2024-02-28. Review status: criteria provided, single submitter. Criteria: Ambry Variant Classification Scheme 2023. Collection method: clinical testing. Allele origin: germline.

Mayo Clinic Laboratories, Mayo Clinic
Classification: Uncertain significance. Last evaluated: 2023-10-11. Review status: criteria provided, single submitter. Criteria: ACMG Guidelines, 2015. Collection method: clinical testing. Allele origin: germline. Observed: 1 variant allele.
Comment: BP4, PM2_moderate

Revvity Omics, Revvity
Classification: Uncertain significance. Last evaluated: 2022-01-28. Review status: criteria provided, single submitter. Criteria: ACMG Guidelines, 2015. Collection method: clinical testing. Allele origin: germline.